The following is an entry in ClinVar:

NM_001267550.2(TTN):c.32084C>T (p.Pro10695Leu)

Gene: TTN (titin; minus strand). Cytogenetic location: 2q31.2.
Variant type: single nucleotide variant.
Coding change: c.32084C>T on transcript NM_001267550.2 (MANE Select); coding-DNA position 32084, C replaced by T.
Protein change: p.Pro10695Leu; replaces proline 10695 with leucine.
Molecular consequence: missense variant. On other transcripts: intron variant (3).
Genome position (GRCh38, 1-based): chr2:178,689,064, G>A on the plus strand (C>T on the coding strand, the complement: TTN is on the minus strand). VCF-style: chr2-178689064-G-A. GRCh37 (hg19) VCF-style: chr2-179553791-G-A.
Other names: c.31133C>T, p.Pro10378Leu (NM_001256850.1); c.28352C>T, p.Pro9451Leu (NM_133378.4); c.13283-46747C>T (NM_003319.4); c.13859-46747C>T (NM_133437.4); c.13658-46747C>T (NM_133432.3); short protein forms P10378L, P10695L, P9451L.
Identifiers: ClinVar variation 3390020 (VCV003390020.14).

ClinVar aggregate classification (germline): Uncertain significance (1 of 4 stars; one submission).

gnomAD v4.1: 1 of 1,610,880 alleles (0.000062%); highest among the groups gnomAD compares: East Asian, 0.0022%; no homozygotes.

Submission:

CeGaT Center for Human Genetics Tuebingen
Classification: Uncertain significance. Last evaluated: 2024-10-01. Review status: criteria provided, single submitter. Criteria: CeGaT Center For Human Genetics Tuebingen Variant Classification Criteria Version 2. Collection method: clinical testing. Allele origin: germline. Affected: yes. Observed: 1 variant allele.
Comment: TTN: PM2, PS2:Supporting